The following is an entry in ClinVar:

ClinVar aggregate classification (germline): Pathogenic (1 of 4 stars; one submission).

Submission:

Labcorp Genetics (formerly Invitae), Labcorp
Classification: Pathogenic. Last evaluated: 2022-12-03. Review status: criteria provided, single submitter. Criteria: Invitae Variant Classification Sherloc (09022015). Collection method: clinical testing. Allele origin: germline.
Comment: For these reasons, this variant has been classified as Pathogenic. This variant has not been reported in the literature in individuals affected with UNC80-related conditions. This variant is not present in population databases (gnomAD no frequency). This sequence change creates a premature translational stop signal (p.Trp1596*) in the UNC80 gene. It is expected to result in an absent or disrupted protein product. Loss-of-function variants in UNC80 are known to be pathogenic (PMID: 26545877, 26708751, 26708753).

Literature cited by the submitters: PubMed 26545877; PubMed 26708751; PubMed 26708753.

NM_001371986.1(UNC80):c.4985G>A (p.Trp1662Ter)

Gene: UNC80 (unc-80 subunit of NALCN channel complex; plus strand). Cytogenetic location: 2q34.
Variant type: single nucleotide variant.
Coding change: c.4985G>A on transcript NM_001371986.1 (MANE Select); coding-DNA position 4985, G replaced by A.
Protein change: p.Trp1662Ter; replaces tryptophan 1662 with a stop codon.
Molecular consequence: nonsense.
Genome position (GRCh38, 1-based): chr2:209,913,896, G>A. VCF-style: chr2-209913896-G-A. GRCh37 (hg19) VCF-style: chr2-210778620-G-A.
Other names: c.4787G>A, p.Trp1596Ter (NM_032504.2); c.4772G>A, p.Trp1591Ter (NM_182587.4); short protein forms W1591*, W1662*, W1596*.
Identifiers: ClinVar variation 2795999 (VCV002795999.3), dbSNP rs2471119196, ClinGen allele CA350756917.